The following is an entry in ClinVar:

ClinVar aggregate classification (germline): Uncertain significance. Review status: criteria provided, multiple submitters, no conflicts (2 of 4 stars). 2 submissions from 2 submitters: Uncertain significance (2). Last evaluated 2025-04-18.

Conditions:
Charcot-Marie-Tooth disease type 2. Also called: Charcot-Marie-Tooth type 2. Identifiers: Orphanet 64746, MedGen C0270914, MONDO:0018993.

Allele frequency attached by ClinVar (database versions not stated): gnomAD 0.00003; TOPMed 0.00003.

Submissions (2):

Ambry Genetics
Classification: Uncertain significance. Last evaluated: 2025-04-18. Review status: criteria provided, single submitter. Criteria: Ambry Variant Classification Scheme 2023. Collection method: clinical testing. Allele origin: germline.
Comment: The p.M147V variant (also known as c.439A>G), located in coding exon 5 of the KIF1B gene, results from an A to G substitution at nucleotide position 439. The methionine at codon 147 is replaced by valine, an amino acid with highly similar properties. This amino acid position is highly conserved in available vertebrate species. In addition, this alteration is predicted to be deleterious by in silico analysis. Since supporting evidence is limited at this time, the clinical significance of this alteration remains unclear.

Labcorp Genetics (formerly Invitae), Labcorp
Classification: Uncertain significance for Charcot-Marie-Tooth disease type 2. Last evaluated: 2022-08-07. Review status: criteria provided, single submitter. Criteria: Invitae Variant Classification Sherloc (09022015). Collection method: clinical testing. Allele origin: germline.
Comment: In summary, the available evidence is currently insufficient to determine the role of this variant in disease. Therefore, it has been classified as a Variant of Uncertain Significance. This sequence change replaces methionine, which is neutral and non-polar, with valine, which is neutral and non-polar, at codon 147 of the KIF1B protein (p.Met147Val). This variant is present in population databases (rs796287290, gnomAD 0.01%). This variant has not been reported in the literature in individuals affected with KIF1B-related conditions. ClinVar contains an entry for this variant (Variation ID: 579448). Algorithms developed to predict the effect of missense changes on protein structure and function are either unavailable or do not agree on the potential impact of this missense change (SIFT: "Deleterious"; PolyPhen-2: "Possibly Damaging"; Align-GVGD: "Class C0").

NM_001365951.3(KIF1B):c.439A>G (p.Met147Val)

Gene: KIF1B (kinesin family member 1B; plus strand). Cytogenetic location: 1p36.22.
Variant type: single nucleotide variant.
Coding change: c.439A>G on transcript NM_001365951.3 (MANE Select); coding-DNA position 439, A replaced by G.
Protein change: p.Met147Val; replaces methionine 147 with valine.
Molecular consequence: missense variant.
Genome position (GRCh38, 1-based): chr1:10,267,389, A>G. VCF-style: chr1-10267389-A-G. GRCh37 (hg19) VCF-style: chr1-10327447-A-G.
Other names: c.439A>G, p.Met147Val (NM_001365952.1, NM_001365953.1, NM_015074.3 and 1 more transcripts); short protein forms M147V.
Identifiers: ClinVar variation 579448 (VCV000579448.14), dbSNP rs796287290, ClinGen allele CA17836356.